The following is an entry in ClinVar:

ClinVar aggregate classification (germline): Pathogenic. Review status: criteria provided, multiple submitters, no conflicts (2 of 4 stars). 3 submissions from 3 submitters: Pathogenic (3). Last evaluated 2026-08-14.

Conditions:
Cardiovascular phenotype. Identifiers: MedGen CN230736.
Primary familial dilated cardiomyopathy (FDC). Also called: Hypokinetic dilated cardiomyopathy, familial; Familial dilated cardiomyopathy. Identifiers: Orphanet 217607, MedGen C0340427, MONDO:0016333.

Submissions (3):

Ambry Genetics
Classification: Pathogenic for Cardiovascular phenotype. Last evaluated: 2026-08-14. Review status: criteria provided, single submitter. Criteria: Ambry Variant Classification Scheme 2023. Collection method: clinical testing. Allele origin: germline.
Comment: The c.381_383delGATins14 pathogenic mutation, located in coding exon 2 of the LMNA gene, results from the deletion of 3 nucleotides and insertion of 14 nucleotides causing a translational frameshift with a predicted alternate stop codon (p.I128Gfs*11). This variant is considered to be rare based on population cohorts in the Genome Aggregation Database (gnomAD). This alteration is expected to result in loss of function by premature protein truncation or nonsense-mediated mRNA decay. As such, this alteration is interpreted as a disease-causing mutation.

Women's Health and Genetics/Laboratory Corporation of America, LabCorp
Classification: Pathogenic for Primary familial dilated cardiomyopathy. Last evaluated: 2025-06-10. Review status: criteria provided, single submitter. Criteria: LabCorp Variant Classification Summary - May 2015. Collection method: clinical testing. Allele origin: germline.
Comment: Variant summary: LMNA c.381_383delins14 (p.Ile128GlyfsX11) results in a premature termination codon, predicted to cause a truncation of the encoded protein or absence of the protein due to nonsense mediated decay, which are commonly known mechanisms for disease. The variant was absent in 251416 control chromosomes. To our knowledge, no occurrence of c.381_383delins14 in individuals affected with Dilated Cardiomyopathy and no experimental evidence demonstrating its impact on protein function have been reported. ClinVar contains an entry for this variant (Variation ID: 200956). Based on the evidence outlined above, the variant was classified as pathogenic.

GeneDx
Classification: Pathogenic. Last evaluated: 2023-10-17. Review status: criteria provided, single submitter. Criteria: GeneDx Variant Classification Process June 2021. Collection method: clinical testing. Allele origin: germline. Affected: yes.
Comment: Has not been previously published as pathogenic or benign to our knowledge; Not observed at significant frequency in large population cohorts (gnomAD); Frameshift variant predicted to result in protein truncation or nonsense mediated decay in a gene for which loss-of-function is a known mechanism of disease

NM_170707.4(LMNA):c.381_383delinsTGGTCACCTGAGAG (p.Ile128fs)

Genes: LMNA (lamin A/C; plus strand), LOC126805877 (MED14-independent group 3 enhancer GRCh37_chr1:156099693-156100892; plus strand). Cytogenetic location: 1q22.
Variant type: Indel.
Coding change: c.381_383delinsTGGTCACCTGAGAG on transcript NM_170707.4 (MANE Select); coding-DNA positions 381 to 383, GAT replaced by TGGTCACCTGAGAG.
Protein change: p.Ile128fs; shifts the reading frame from isoleucine 128.
Molecular consequence: frameshift variant.
Genome position (GRCh38, 1-based): chr1:156,130,641-156,130,643, GAT replaced by TGGTCACCTGAGAG. VCF-style: chr1-156130641-GAT-TGGTCACCTGAGAG. GRCh37 (hg19) VCF-style: chr1-156100432-GAT-TGGTCACCTGAGAG.
Other names: c.45_47delinsTGGTCACCTGAGAG, p.Ile16fs (NM_001257374.3); c.138_140delinsTGGTCACCTGAGAG, p.Ile47fs (NM_001282624.2); c.381_383delinsTGGTCACCTGAGAG, p.Ile128fs (NM_001282625.2, NM_001282626.2, NM_005572.4 and 1 more transcripts); short protein forms I16fs, I128fs, I47fs.
Identifiers: ClinVar variation 200956 (VCV000200956.8), dbSNP rs794728605, ClinGen allele CA018019.